The following is an entry in ClinVar:

NM_030653.4(DDX11):c.2034_2035del (p.Glu680fs)

Gene: DDX11 (DEAD/H-box helicase 11; plus strand). Cytogenetic location: 12p11.21.
Variant type: Deletion.
Coding change: c.2034_2035del on transcript NM_030653.4 (MANE Select); coding-DNA positions 2034 to 2035, 2 bases deleted (AA; older notation c.2034_2035delAA).
Protein change: p.Glu680fs; shifts the reading frame from glutamic acid 680.
Molecular consequence: frameshift variant. On other transcripts: non-coding transcript variant (4).
Genome position (GRCh38, 1-based): chr12:31,101,112-31,101,113, AA deleted; deleting any 2 consecutive bases within chr12:31,101,110-31,101,113 gives the same sequence; the c. name uses the placement nearest the transcript's 3' end. VCF-style (leftmost placement, unchanged base first): chr12-31101109-GAA-G. GRCh37 (hg19) VCF-style: chr12-31254043-GAA-G.
Other names: c.2034_2035del, p.Glu680fs (NM_001257144.2, NM_001413692.1, NM_001413693.1 and 5 more transcripts); c.1956_1957del, p.Glu654fs (NM_001257145.2, NM_001413697.1, NM_001413698.1 and 1 more transcripts); c.1947_1948del, p.Glu651fs (NM_001413700.1); c.1506_1507del, p.Glu504fs (NM_001413702.1, NM_001413703.1); c.1173_1174del, p.Glu393fs (NM_001413704.1, NM_001413705.1); c.1068_1069del, p.Glu358fs (NM_001413706.1); short protein forms E358fs, E393fs, E504fs, E651fs, E654fs, E680fs.
Identifiers: ClinVar variation 3253498 (VCV003253498.1), dbSNP rs1410277445.

ClinVar aggregate classification (germline): Uncertain significance (1 of 4 stars; one submission).

Submission:

GeneDx
Classification: Uncertain significance. Last evaluated: 2023-10-06. Review status: criteria provided, single submitter. Criteria: GeneDx Variant Classification Process June 2021. Collection method: clinical testing. Allele origin: germline. Affected: yes.
Comment: Frameshift variant predicted to result in protein truncation or nonsense mediated decay in a gene for which loss of function is a known mechanism of disease; Has not been previously published as pathogenic or benign to our knowledge